The following is an entry in ClinVar:

ClinVar aggregate classification (germline): Uncertain significance. Review status: criteria provided, multiple submitters, no conflicts (2 of 4 stars). 3 submissions from 3 submitters: Uncertain significance (3). Last evaluated 2025-10-07.

Conditions:
Inborn genetic diseases. Identifiers: MedGen C0950123, MeSH D030342.
Nephronophthisis. Also called: Juvenile Nephronophthisis. Identifiers: Orphanet 655, MedGen C0687120, MONDO:0019005, HP:0000090.

Allele frequency attached by ClinVar (database versions not stated): TOPMed 0.00001; ExAC 0.00003; gnomAD 0.00003; gnomAD exomes 0.00003; 1000 Genomes Project 30x 0.00016; 1000 Genomes Project 0.00020.

Submissions (3):

Ambry Genetics
Classification: Uncertain significance for Inborn genetic diseases. Last evaluated: 2025-10-07. Review status: criteria provided, single submitter. Criteria: Ambry Variant Classification Scheme 2023. Collection method: clinical testing. Allele origin: germline.

Blueprint Genetics
Classification: Uncertain significance. Last evaluated: 2024-10-04. Review status: criteria provided, single submitter. Criteria: ACMG Guidelines, 2015. Collection method: clinical testing. Allele origin: germline.

Labcorp Genetics (formerly Invitae), Labcorp
Classification: Uncertain significance for Nephronophthisis. Last evaluated: 2022-05-16. Review status: criteria provided, single submitter. Criteria: Invitae Variant Classification Sherloc (09022015). Collection method: clinical testing. Allele origin: germline.
Comment: This sequence change replaces glutamic acid, which is acidic and polar, with lysine, which is basic and polar, at codon 1416 of the NPHP4 protein (p.Glu1416Lys). This variant is present in population databases (rs549183968, gnomAD 0.009%). This variant has not been reported in the literature in individuals affected with NPHP4-related conditions. Algorithms developed to predict the effect of missense changes on protein structure and function are either unavailable or do not agree on the potential impact of this missense change (SIFT: "Deleterious"; PolyPhen-2: "Probably Damaging"; Align-GVGD: "Class C0"). In summary, the available evidence is currently insufficient to determine the role of this variant in disease. Therefore, it has been classified as a Variant of Uncertain Significance.

NM_015102.5(NPHP4):c.4246G>A (p.Glu1416Lys)

Gene: NPHP4 (nephrocystin 4; minus strand). Cytogenetic location: 1p36.31.
Variant type: single nucleotide variant.
Coding change: c.4246G>A on transcript NM_015102.5 (MANE Select); coding-DNA position 4246, G replaced by A.
Protein change: p.Glu1416Lys; replaces glutamic acid 1416 with lysine.
Molecular consequence: missense variant. On other transcripts: non-coding transcript variant (1).
Genome position (GRCh38, 1-based): chr1:5,863,300, C>T on the plus strand (G>A on the coding strand, the complement: NPHP4 is on the minus strand). VCF-style: chr1-5863300-C-T. GRCh37 (hg19) VCF-style: chr1-5923360-C-T.
Other names: c.2707G>A, p.Glu903Lys (NM_001291593.2); c.2710G>A, p.Glu904Lys (NM_001291594.2); c.4246G>A (NM_015102.3); short protein forms E903K, E904K, E1416K.
Identifiers: ClinVar variation 2056784 (VCV002056784.3), dbSNP rs549183968, ClinGen allele CA553291.